The following is an entry in ClinVar:

ClinVar aggregate classification (germline): Uncertain significance (1 of 4 stars; one submission).

gnomAD v4.1: 1 of 1,612,564 alleles (0.000062%); highest among the groups gnomAD compares: Admixed American, 0.0017%; no homozygotes.

Submission:

Labcorp Genetics (formerly Invitae), Labcorp
Classification: Uncertain significance. Last evaluated: 2025-06-17. Review status: criteria provided, single submitter. Criteria: Invitae Variant Classification Sherloc (09022015). Collection method: clinical testing. Allele origin: germline.
Comment: This sequence change creates a premature translational stop signal (p.Gln358*) in the TOP1MT gene. It is expected to result in an absent or disrupted protein product. However, the current clinical and genetic evidence is not sufficient to establish whether loss-of-function variants in TOP1MT cause disease. This variant is present in population databases (rs762096102, gnomAD 0.003%). This variant has not been reported in the literature in individuals affected with TOP1MT-related conditions. In summary, the available evidence is currently insufficient to determine the role of this variant in disease. Therefore, it has been classified as a Variant of Uncertain Significance.

NM_052963.3(TOP1MT):c.1072C>T (p.Gln358Ter)

Gene: TOP1MT (DNA topoisomerase I mitochondrial; minus strand). Cytogenetic location: 8q24.3.
Variant type: single nucleotide variant.
Coding change: c.1072C>T on transcript NM_052963.3 (MANE Select); coding-DNA position 1072, C replaced by T.
Protein change: p.Gln358Ter; replaces glutamine 358 with a stop codon.
Molecular consequence: nonsense.
Genome position (GRCh38, 1-based): chr8:143,321,275, G>A on the plus strand (C>T on the coding strand, the complement: TOP1MT is on the minus strand). VCF-style: chr8-143321275-G-A. GRCh37 (hg19) VCF-style: chr8-144403445-G-A.
Other names: c.778C>T, p.Gln260Ter (NM_001258446.1, NM_001258447.1); short protein forms Q358*, Q260*.
Identifiers: ClinVar variation 4754392 (VCV004754392.1).
Genomic context (GRCh38, chr8:143,321,275, plus strand): 5'-GCACTCTGTTGTAGTAGCGGATGCAGTCCTTCCCCAGGAAGTCAAATTCCACCACGTGTT[G>A]GCAGCCATCGGCCTCCGGGTGCAGCTGGACGTGCTCCACGCGGAGGGAACAGCAGCCCAC-3'